The following is an entry in ClinVar:

NM_001127222.2(CACNA1A):c.3145C>A (p.Pro1049Thr)

Gene: CACNA1A (calcium voltage-gated channel subunit alpha1 A; minus strand). Cytogenetic location: 19p13.13.
Variant type: single nucleotide variant.
Coding change: c.3145C>A on transcript NM_001127222.2 (MANE Select); coding-DNA position 3145, C replaced by A.
Protein change: p.Pro1049Thr; replaces proline 1049 with threonine.
Molecular consequence: missense variant.
Genome position (GRCh38, 1-based): chr19:13,286,911, G>T on the plus strand (C>A on the coding strand, the complement: CACNA1A is on the minus strand). VCF-style: chr19-13286911-G-T. GRCh37 (hg19) VCF-style: chr19-13397725-G-T.
Other names: c.3157C>A, p.Pro1053Thr (NM_000068.4, NM_023035.3); c.3148C>A, p.Pro1050Thr (NM_001127221.2, NM_001174080.2); short protein forms P1049T, P1050T, P1053T.
Identifiers: ClinVar variation 1341815 (VCV001341815.1), dbSNP rs2057414205, ClinGen allele CA404341977.

ClinVar aggregate classification (germline): Uncertain significance (1 of 4 stars; one submission).

Conditions:
Developmental and epileptic encephalopathy, 42 (DEE42A). Also called: Epileptic encephalopathy, early infantile, 42; DEVELOPMENTAL AND EPILEPTIC ENCEPHALOPATHY 42A; EPILEPTIC ENCEPHALOPATHY, EARLY INFANTILE, 42A. Identifiers: MedGen C4310716, MONDO:0014917, OMIM 617106.

Submission:

New York Genome Center
Classification: Uncertain significance for Developmental and epileptic encephalopathy, 42. Last evaluated: 2021-01-29. Review status: criteria provided, single submitter. Criteria: NYGC Assertion Criteria 2020. Collection method: clinical testing. Allele origin: inherited. Observed: 1 heterozygote. Study: CSER-NYCKidSeq.
Comment: The inherited heterozygous c.3148C>A (p.Pro1050Thr) variant identified in the CACNA1A gene has not been reported in affected individuals in the literature. The variant is absent from the gnomAD(v3) database indicating it is an extremelyrare allele in the populations represented in that database. The variant affects an evolutionary conserved residue and is predicted deleterious by multiple in silico tools. Functional studies to evaluate the potential pathogenicity of this variant have not been performed to the best of our knowledge. Based on the available evidence, the inherited heterozygous c.3148C>A (p.Pro1050Thr) variant identified in the CACNA1A gene is reported as a variant of uncertain significance.